The following is an entry in ClinVar:

NM_001134831.2(AHI1):c.3303dup (p.Pro1102fs)

Gene: AHI1 (Abelson helper integration site 1; minus strand). Cytogenetic location: 6q23.3.
Variant type: Duplication.
Coding change: c.3303dup on transcript NM_001134831.2 (MANE Select); coding-DNA position 3303, one base duplicated (T; older notation c.3303dupT).
Protein change: p.Pro1102fs; shifts the reading frame from proline 1102.
Molecular consequence: frameshift variant.
Genome position (GRCh38, 1-based): chr6:135,323,187, A duplicated on the plus strand (T on the coding strand, the reverse complement: AHI1 is on the minus strand); the first of 4 consecutive A bases (chr6:135,323,187-135,323,190); duplicating any one gives the same sequence. VCF-style (leftmost placement, unchanged base first): chr6-135323186-G-GA. GRCh37 (hg19) VCF-style: chr6-135644324-G-GA.
Other names: c.3303dup, p.Pro1102fs (NM_001134830.2, NM_001350503.2, NM_001350504.2 and 1 more transcripts); short protein forms P1102fs.
Identifiers: ClinVar variation 1452728 (VCV001452728.7), dbSNP rs2128384496, ClinGen allele CA2573140571.

ClinVar aggregate classification (germline): Pathogenic/Likely pathogenic. Review status: criteria provided, multiple submitters, no conflicts (2 of 4 stars). 2 submissions from 2 submitters: Pathogenic (1); Likely pathogenic (1). Last evaluated 2022-09-12.

Conditions:
AHI1-related disorder. Also called: AHI1-related condition.
Joubert syndrome. Also called: Familial aplasia of the vermis; JOUBERT-BOLTSHAUSER SYNDROME. Identifiers: Orphanet 475, MedGen C5979921, MONDO:0018772.

Submissions (2):

Labcorp Genetics (formerly Invitae), Labcorp
Classification: Pathogenic for Joubert syndrome. Last evaluated: 2022-09-12. Review status: criteria provided, single submitter. Criteria: Invitae Variant Classification Sherloc (09022015). Collection method: clinical testing. Allele origin: germline.
Comment: For these reasons, this variant has been classified as Pathogenic. ClinVar contains an entry for this variant (Variation ID: 1452728). This variant has not been reported in the literature in individuals affected with AHI1-related conditions. This variant is not present in population databases (gnomAD no frequency). This sequence change creates a premature translational stop signal (p.Pro1102Serfs*3) in the AHI1 gene. It is expected to result in an absent or disrupted protein product. Loss-of-function variants in AHI1 are known to be pathogenic (PMID: 15322546, 16453322, 28442542, 29186038).

Blueprint Genetics
Classification: Likely pathogenic for AHI1-related disorders. Last evaluated: 2020-11-12. Review status: criteria provided, single submitter. Criteria: ACMG Guidelines, 2015. Collection method: clinical testing. Allele origin: germline. Affected: yes. Observed: 2 variant alleles.

Literature cited by the submitters: PubMed 15322546 (cited by Labcorp Genetics (formerly Invitae), Labcorp); PubMed 16453322 (cited by Labcorp Genetics (formerly Invitae), Labcorp); PubMed 28442542 (cited by Labcorp Genetics (formerly Invitae), Labcorp); PubMed 29186038 (cited by Labcorp Genetics (formerly Invitae), Labcorp).